The following is an entry in ClinVar:

NM_005422.4(TECTA):c.5824T>G (p.Tyr1942Asp)

Genes: TBCEL-TECTA (TBCEL-TECTA readthrough; plus strand), TECTA (tectorin alpha; plus strand). Cytogenetic location: 11q23.3.
Variant type: single nucleotide variant.
Coding change: c.5824T>G on transcript NM_005422.4 (MANE Select); coding-DNA position 5824, T replaced by G.
Protein change: p.Tyr1942Asp; replaces tyrosine 1942 with aspartic acid.
Molecular consequence: missense variant.
Genome position (GRCh38, 1-based): chr11:121,168,750, T>G. VCF-style: chr11-121168750-T-G. GRCh37 (hg19) VCF-style: chr11-121039459-T-G.
Other names: c.5824T>G (NM_005422.2); c.6766T>G, p.Tyr2256Asp (NM_001378761.1); short protein forms Y1942D, Y2256D.
Identifiers: ClinVar variation 2827598 (VCV002827598.4), dbSNP rs1443756876, ClinGen allele CA383036710.

ClinVar aggregate classification (germline): Uncertain significance. Review status: criteria provided, multiple submitters, no conflicts (2 of 4 stars). 2 submissions from 2 submitters: Uncertain significance (2). Last evaluated 2024-03-14.

Allele frequency attached by ClinVar (database versions not stated): gnomAD exomes below 0.00001.

Submissions (2):

GeneDx
Classification: Uncertain significance. Last evaluated: 2024-03-14. Review status: criteria provided, single submitter. Criteria: GeneDx Variant Classification Process June 2021. Collection method: clinical testing. Allele origin: germline. Affected: yes.
Comment: Not observed at significant frequency in large population cohorts (gnomAD); In silico analysis supports that this missense variant has a deleterious effect on protein structure/function; Has not been previously published as pathogenic or benign to our knowledge; This variant is associated with the following publications: (PMID: 16718611, 9590290, 31554319, 21520338)

Labcorp Genetics (formerly Invitae), Labcorp
Classification: Uncertain significance. Last evaluated: 2023-03-01. Review status: criteria provided, single submitter. Criteria: Invitae Variant Classification Sherloc (09022015). Collection method: clinical testing. Allele origin: germline.
Comment: In summary, the available evidence is currently insufficient to determine the role of this variant in disease. Therefore, it has been classified as a Variant of Uncertain Significance. This variant disrupts the p.Tyr1942 amino acid residue in TECTA. Other variant(s) that disrupt this residue have been observed in individuals with TECTA-related conditions (PMID: 31554319), which suggests that this may be a clinically significant amino acid residue. Advanced modeling of protein sequence and biophysical properties (such as structural, functional, and spatial information, amino acid conservation, physicochemical variation, residue mobility, and thermodynamic stability) performed at Invitae indicates that this missense variant is expected to disrupt TECTA protein function. This missense change has been observed in individual(s) with deafness (Invitae). This variant is present in population databases (no rsID available, gnomAD 0.003%). This sequence change replaces tyrosine, which is neutral and polar, with aspartic acid, which is acidic and polar, at codon 1942 of the TECTA protein (p.Tyr1942Asp).

Literature cited by the submitters: PubMed 31554319 (cited by Labcorp Genetics (formerly Invitae), Labcorp).